The following is an entry in ClinVar:

ClinVar aggregate classification (germline): Uncertain significance (1 of 4 stars; one submission).

Submission:

Labcorp Genetics (formerly Invitae), Labcorp
Classification: Uncertain significance. Last evaluated: 2022-05-28. Review status: criteria provided, single submitter. Criteria: Invitae Variant Classification Sherloc (09022015). Collection method: clinical testing. Allele origin: germline.
Comment: This variant is not present in population databases (gnomAD no frequency). In summary, the available evidence is currently insufficient to determine the role of this variant in disease. Therefore, it has been classified as a Variant of Uncertain Significance. Algorithms developed to predict the effect of missense changes on protein structure and function are either unavailable or do not agree on the potential impact of this missense change (SIFT: "Tolerated"; PolyPhen-2: "Probably Damaging"; Align-GVGD: "Class C0"). This variant has not been reported in the literature in individuals affected with POLE-related conditions. This sequence change replaces phenylalanine, which is neutral and non-polar, with leucine, which is neutral and non-polar, at codon 1030 of the POLE protein (p.Phe1030Leu).

NM_006231.4(POLE):c.3090C>G (p.Phe1030Leu)

Gene: POLE (DNA polymerase epsilon, catalytic subunit; minus strand). Cytogenetic location: 12q24.33.
Variant type: single nucleotide variant.
Coding change: c.3090C>G on transcript NM_006231.4 (MANE Select); coding-DNA position 3090, C replaced by G.
Protein change: p.Phe1030Leu; replaces phenylalanine 1030 with leucine.
Molecular consequence: missense variant.
Genome position (GRCh38, 1-based): chr12:132,659,480, G>C on the plus strand (C>G on the coding strand, the complement: POLE is on the minus strand). VCF-style: chr12-132659480-G-C. GRCh37 (hg19) VCF-style: chr12-133236066-G-C.
Other names: short protein forms F1030L.
Identifiers: ClinVar variation 1999874 (VCV001999874.4), dbSNP rs766306895, ClinGen allele CA387391769.